The following is an entry in ClinVar:

ClinVar aggregate classification (germline): Conflicting classifications of pathogenicity. Review status: criteria provided, conflicting classifications (1 of 4 stars). 4 submissions from 4 submitters: Uncertain significance (1); Likely benign (2). 1 of the submissions does not count toward it. Last evaluated 2025-12-21.

Conditions:
IFT140-related disorder. Also called: IFT140-related condition.
Saldino-Mainzer syndrome (SRTD9). Also called: Renal dysplasia, retinal pigmentary dystrophy, cerebellar ataxia and skeletal dysplasia; short-rib thoracic dysplasia 9 with or without polydactyly; CONORENAL SYNDROME; SHORT-RIB THORACIC DYSPLASIA 9 WITHOUT POLYDACTYLY. Identifiers: Orphanet 140969, MedGen C1849437, MONDO:0009964, OMIM 266920.

Allele frequency attached by ClinVar (database versions not stated): TOPMed 0.00003; ExAC 0.00014; ESP Exome Variant Server 0.00023.
gnomAD v4.1: 165 of 1,602,122 alleles (0.01%); highest among the groups gnomAD compares: Non-Finnish European, 0.014%; no homozygotes.

Submissions (5):

Labcorp Genetics (formerly Invitae), Labcorp
Classification: Likely benign for Saldino-Mainzer syndrome. Last evaluated: 2025-12-21. Review status: criteria provided, single submitter. Criteria: Invitae Variant Classification Sherloc (09022015). Collection method: clinical testing. Allele origin: germline.

Blueprint Genetics
Classification: Likely benign. Last evaluated: 2024-10-31. Review status: criteria provided, single submitter. Criteria: ACMG Guidelines, 2015. Collection method: clinical testing. Allele origin: germline.

Illumina Laboratory Services, Illumina
Classification: Uncertain significance for Saldino-Mainzer syndrome. Last evaluated: 2018-01-12. Review status: criteria provided, single submitter. Criteria: ICSL Variant Classification Criteria 13 December 2019. Collection method: clinical testing. Allele origin: germline.

PreventionGenetics, part of Exact Sciences
Classification: Likely benign for IFT140-related condition. Last evaluated: 2019-08-29. Review status: no assertion criteria provided. Collection method: clinical testing. Allele origin: germline. Not counted in ClinVar's aggregate classification.
Comment: This variant is classified as likely benign based on ACMG/AMP sequence variant interpretation guidelines (Richards et al. 2015 PMID: 25741868, with internal and published modifications).

Dr. Peter K. Rogan Lab, Western University
No classification provided (evidence only). Condition: Thymoma. Review status: no classification provided. Collection method: in vitro. Allele origin: not applicable. Functional consequence: retained intron. Not counted in ClinVar's aggregate classification.

NM_014714.4(IFT140):c.2997+8C>G

Genes: IFT140 (intraflagellar transport 140; minus strand), LOC126862260 (CDK7 strongly-dependent group 2 enhancer GRCh37_chr16:1574508-1575707; plus strand). Cytogenetic location: 16p13.3.
Variant type: single nucleotide variant.
Coding change: c.2997+8C>G on transcript NM_014714.4 (MANE Select); 8 bases into the intron after coding-DNA position 2997, C replaced by G.
Molecular consequence: intron variant.
Genome position (GRCh38, 1-based): chr16:1,524,776, G>C on the plus strand (C>G on the coding strand, the complement: IFT140 is on the minus strand). VCF-style: chr16-1524776-G-C. GRCh37 (hg19) VCF-style: chr16-1574777-G-C.
Identifiers: ClinVar variation 887782 (VCV000887782.17), dbSNP rs372183503, ClinGen allele CA7813394.
Genomic context (GRCh38, chr16:1,524,776, plus strand): 5'-AAGACGAGACACGGTGGCCTTGTGTCTGCCTCGTGTCCGCCTGGCCGGCTCCCCTGCGGG[G>C]ACCTTACCTTCTGGACATTGCCCTGGAAGCAGTGGATGCGGACCAGGGAGAAGTGGTCCC-3'